The following is an entry in ClinVar:

ClinVar aggregate classification (germline): Pathogenic. Review status: criteria provided, single submitter (1 of 4 stars). 3 submissions from 3 submitters: Pathogenic (1). 2 of the submissions do not count toward it. Last evaluated 2019-11-28.

Conditions:
Charcot-Marie-Tooth disease. Also called: Charcot-Marie-Tooth Hereditary Neuropathy; Charcot-Marie-Tooth Neuropathy. Identifiers: Orphanet 166, MedGen C0007959, MONDO:0015626.
Charcot-Marie-Tooth Neuropathy X. Identifiers: MedGen CN118851.
Charcot-Marie-Tooth disease X-linked dominant 1. Also called: Charcot-Marie-Tooth Neuropathy X Type 1; X-linked Charcot-Marie-Tooth disease type 1; GJB1 Disorders: Charcot-Marie-Tooth Neuropathy (CMT1X) and Central Nervous System Phenotypes; CHARCOT-MARIE-TOOTH NEUROPATHY, X-LINKED, 1; CHARCOT-MARIE-TOOTH PERONEAL MUSCULAR ATROPHY, X-LINKED; HEREDITARY MOTOR AND SENSORY NEUROPATHY, X-LINKED. Identifiers: Orphanet 101075, MedGen C0393808, MONDO:0010549, OMIM 302800.

Submissions (3):

Labcorp Genetics (formerly Invitae), Labcorp
Classification: Pathogenic for Charcot-Marie-Tooth Neuropathy X. Last evaluated: 2019-11-28. Review status: criteria provided, single submitter. Criteria: Invitae Variant Classification Sherloc (09022015). Collection method: clinical testing. Allele origin: germline.
Comment: This variant disrupts the p.Ile30 amino acid residue in GJB1. Other variant(s) that disrupt this residue have been observed in individuals with GJB1-related conditions (PMID: 7477983, 27549087), which suggests that this may be a clinically significant amino acid residue. Advanced modeling of protein sequence and biophysical properties (such as structural, functional, and spatial information, amino acid conservation, physicochemical variation, residue mobility, and thermodynamic stability) performed at Invitae indicates that this missense variant is expected to disrupt GJB1 protein function. This variant has been observed in individual(s) with Charcot-Marie-Tooth disease (PMID: 9818870, Invitae). ClinVar contains an entry for this variant (Variation ID: 637215). This variant is not present in population databases (ExAC no frequency). This sequence change replaces isoleucine with threonine at codon 30 of the GJB1 protein (p.Ile30Thr). The isoleucine residue is highly conserved and there is a moderate physicochemical difference between isoleucine and threonine. For these reasons, this variant has been classified as Pathogenic.

Inherited Neuropathy Consortium Ii, University Of Miami
Classification: Uncertain significance for Charcot-Marie-Tooth disease X-linked dominant 1. Last evaluated: 2016-01-06. Review status: no assertion criteria provided. Collection method: literature only. Allele origin: germline. Affected: yes. Not counted in ClinVar's aggregate classification.

Inherited Neuropathy Consortium
Classification: Uncertain significance for Charcot-Marie-Tooth disease. Review status: no assertion criteria provided. Collection method: literature only. Allele origin: germline. Affected: yes. Not counted in ClinVar's aggregate classification.

Literature cited by the submitters: PubMed 7477983 (cited by Labcorp Genetics (formerly Invitae), Labcorp); PubMed 27549087 (cited by Labcorp Genetics (formerly Invitae), Labcorp); PubMed 9818870 (cited by 3 submitters).

NM_000166.6(GJB1):c.89T>C (p.Ile30Thr)

Gene: GJB1 (gap junction protein beta 1; plus strand). Cytogenetic location: Xq13.1.
Variant type: single nucleotide variant.
Coding change: c.89T>C on transcript NM_000166.6 (MANE Select); coding-DNA position 89, T replaced by C.
Protein change: p.Ile30Thr; replaces isoleucine 30 with threonine.
Molecular consequence: missense variant.
Genome position (GRCh38, 1-based): chrX:71,223,796, T>C. VCF-style: chrX-71223796-T-C. GRCh37 (hg19) VCF-style: chrX-70443646-T-C.
Other names: c.89T>C, p.Ile30Thr (NM_001097642.3); short protein forms I30T.
Identifiers: ClinVar variation 637215 (VCV000637215.11), dbSNP rs104894817, ClinGen allele CA413500858.